The following is an entry in ClinVar:

NM_001174089.2(SLC4A11):c.361G>T (p.Ala121Ser)

Gene: SLC4A11 (solute carrier family 4 member 11; minus strand). Cytogenetic location: 20p13.
Variant type: single nucleotide variant.
Coding change: c.361G>T on transcript NM_001174089.2 (MANE Select); coding-DNA position 361, G replaced by T.
Protein change: p.Ala121Ser; replaces alanine 121 with serine.
Molecular consequence: missense variant. On other transcripts: non-coding transcript variant (3).
Genome position (GRCh38, 1-based): chr20:3,234,245, C>A on the plus strand (G>T on the coding strand, the complement: SLC4A11 is on the minus strand). VCF-style: chr20-3234245-C-A. GRCh37 (hg19) VCF-style: chr20-3214891-C-A.
Other names: c.490G>T, p.Ala164Ser (NM_001174090.2, NM_001400280.1); c.361G>T, p.Ala121Ser (NM_001363745.2); c.304G>T, p.Ala102Ser (NM_001400277.1, NM_001400278.1, NM_001400279.1); c.409G>T, p.Ala137Ser (NM_032034.4); c.409G>T (NM_032034.3); short protein forms A102S, A121S, A137S, A164S.
Identifiers: ClinVar variation 2152546 (VCV002152546.5), dbSNP rs758431963, ClinGen allele CA9742319.

ClinVar aggregate classification (germline): Uncertain significance. Review status: criteria provided, multiple submitters, no conflicts (2 of 4 stars). 2 submissions from 2 submitters: Uncertain significance (2). Last evaluated 2025-02-28.

Conditions:
Inborn genetic diseases. Identifiers: MedGen C0950123, MeSH D030342.

Allele frequency attached by ClinVar (database versions not stated): ExAC 0.00004; gnomAD exomes 0.00004; TOPMed 0.00006; gnomAD 0.00010.
gnomAD v4.1: 71 of 1,613,944 alleles (0.0044%); highest among the groups gnomAD compares: Admixed American, 0.025%; 1 homozygote.

Submissions (2):

Ambry Genetics
Classification: Uncertain significance for Inborn genetic diseases. Last evaluated: 2025-02-28. Review status: criteria provided, single submitter. Criteria: Ambry Variant Classification Scheme 2023. Collection method: clinical testing. Allele origin: germline.

Labcorp Genetics (formerly Invitae), Labcorp
Classification: Uncertain significance. Last evaluated: 2024-10-24. Review status: criteria provided, single submitter. Criteria: Invitae Variant Classification Sherloc (09022015). Collection method: clinical testing. Allele origin: germline.
Comment: This sequence change replaces alanine, which is neutral and non-polar, with serine, which is neutral and polar, at codon 137 of the SLC4A11 protein (p.Ala137Ser). This variant is present in population databases (rs758431963, gnomAD 0.01%). This variant has not been reported in the literature in individuals affected with SLC4A11-related conditions. ClinVar contains an entry for this variant (Variation ID: 2152546). Invitae Evidence Modeling of protein sequence and biophysical properties (such as structural, functional, and spatial information, amino acid conservation, physicochemical variation, residue mobility, and thermodynamic stability) indicates that this missense variant is not expected to disrupt SLC4A11 protein function with a negative predictive value of 80%. In summary, the available evidence is currently insufficient to determine the role of this variant in disease. Therefore, it has been classified as a Variant of Uncertain Significance.